The following is an entry in ClinVar:

ClinVar aggregate classification (germline): Uncertain significance (1 of 4 stars; one submission).

Conditions:
Hereditary cancer-predisposing syndrome. Also called: Tumor predisposition; Neoplastic Syndromes, Hereditary; Hereditary Cancer Syndrome; Hereditary neoplastic syndrome. Identifiers: Orphanet 140162, MedGen C0027672, MeSH D009386, MONDO:0015356.

gnomAD v4.1: 1 of 1,614,188 alleles (0.000062%); highest among the groups gnomAD compares: Non-Finnish European, 0.000085%; no homozygotes.

Submission:

Ambry Genetics
Classification: Uncertain significance for Hereditary cancer-predisposing syndrome. Last evaluated: 2024-09-01. Review status: criteria provided, single submitter. Criteria: Ambry Variant Classification Scheme 2023. Collection method: clinical testing. Allele origin: germline.
Comment: The p.G1526A variant (also known as c.4577G>C), located in coding exon 22 of the DICER1 gene, results from a G to C substitution at nucleotide position 4577. The glycine at codon 1526 is replaced by alanine, an amino acid with similar properties. This amino acid position is conserved. In addition, this alteration is predicted to be deleterious by in silico analysis. Based on the available evidence, the clinical significance of this variant remains unclear.

NM_177438.3(DICER1):c.4577G>C (p.Gly1526Ala)

Gene: DICER1 (dicer 1, ribonuclease III; minus strand). Cytogenetic location: 14q32.13.
Variant type: single nucleotide variant.
Coding change: c.4577G>C on transcript NM_177438.3 (MANE Select); coding-DNA position 4577, G replaced by C.
Protein change: p.Gly1526Ala; replaces glycine 1526 with alanine.
Molecular consequence: missense variant. On other transcripts: non-coding transcript variant (6).
Genome position (GRCh38, 1-based): chr14:95,096,343, C>G on the plus strand (G>C on the coding strand, the complement: DICER1 is on the minus strand). VCF-style: chr14-95096343-C-G. GRCh37 (hg19) VCF-style: chr14-95562680-C-G.
Other names: c.4577G>C, p.Gly1526Ala (NM_001195573.1, NM_001271282.3, NM_001291628.2 and 12 more transcripts); c.4295G>C, p.Gly1432Ala (NM_001395686.1); c.4172G>C, p.Gly1391Ala (NM_001395687.1, NM_001395688.1, NM_001395689.1 and 2 more transcripts); c.4010G>C, p.Gly1337Ala (NM_001395691.1); c.2894G>C, p.Gly965Ala (NM_001395697.1); short protein forms G1391A, G1432A, G1337A, G1526A, G965A.
Identifiers: ClinVar variation 3501893 (VCV003501893.1).